The following is an entry in ClinVar:

ClinVar aggregate classification (germline): Pathogenic (1 of 4 stars; one submission).

Conditions:
Recessive dystrophic epidermolysis bullosa (RDEB). Also called: epidermolysis bullosa dystrophica, autosomal recessive; Epidermolysis Bullosa Distrophica Autosomal Recessive (RDEB); DYSTROPHIC EPIDERMOLYSIS BULLOSA, AUTOSOMAL RECESSIVE; EPIDERMOLYSIS BULLOSA DYSTROPHICA, HALLOPEAU-SIEMENS TYPE; Recessive DEB (RDEB); Hallopeau-Siemens Disease. Identifiers: Orphanet 79408, Orphanet 79409, MedGen C0079474, MONDO:0009179, OMIM 226600.

Submission:

Myriad Genetics, Inc.
Classification: Pathogenic for Recessive dystrophic epidermolysis bullosa. Last evaluated: 2025-07-28. Review status: criteria provided, single submitter. Criteria: Myriad Autosomal Dominant, Autosomal Recessive and X-Linked Classification Criteria (2023). Collection method: clinical testing. Allele origin: unknown.
Comment: NM_000094.3(COL7A1):c.3478delG(V1160*) is a nonsense variant classified as pathogenic in the context of dystrophic epidermolysis bullosa. V1160* has been observed in a case with relevant disease (PMID: 16971478). Relevant functional assessments of this variant are not available in the literature. V1160* has not been observed in referenced population frequency databases. In summary, NM_000094.3(COL7A1):c.3478delG(V1160*) is a nonsense variant in a gene where loss of function is a known mechanism of disease, is predicted to disrupt protein function, and has been observed more frequently in cases with the relevant disease than in healthy populations. Please note: this variant was assessed in the context of healthy population screening.

Literature cited by the submitters: PubMed 16971478.

NM_000094.4(COL7A1):c.3478del (p.Gly1159_Val1160insTer)

Gene: COL7A1 (collagen type VII alpha 1 chain; minus strand). Cytogenetic location: 3p21.31.
Variant type: Deletion.
Coding change: c.3478del on transcript NM_000094.4 (MANE Select); coding-DNA position 3478, one base deleted (G; older notation c.3478delG).
Protein change: p.Gly1159_Val1160insTer.
Molecular consequence: nonsense.
Genome position (GRCh38, 1-based): chr3:48,586,404, C deleted on the plus strand (G on the coding strand, the reverse complement: COL7A1 is on the minus strand); the first of 4 consecutive C bases (chr3:48,586,404-48,586,407); deleting any one gives the same sequence. VCF-style (leftmost placement, unchanged base first): chr3-48586403-AC-A. GRCh37 (hg19) VCF-style: chr3-48623836-AC-A.
Identifiers: ClinVar variation 5004075 (VCV005004075.1).